The following is an entry in ClinVar:

ClinVar aggregate classification (germline): Uncertain significance. Review status: criteria provided, multiple submitters, no conflicts (2 of 4 stars). 2 submissions from 2 submitters: Uncertain significance (2). Last evaluated 2026-04-02.

Conditions:
Cardiovascular phenotype. Identifiers: MedGen CN230736.

gnomAD v4.1: 1 of 1,614,160 alleles (0.000062%); highest among the groups gnomAD compares: African/African-American, 0.0013%; no homozygotes.

Submissions (2):

Women's Health and Genetics/Laboratory Corporation of America, LabCorp
Classification: Uncertain significance. Last evaluated: 2026-04-02. Review status: criteria provided, single submitter. Criteria: LabCorp Variant Classification Summary - May 2015. Collection method: clinical testing. Allele origin: germline.

Ambry Genetics
Classification: Uncertain significance for Cardiovascular phenotype. Last evaluated: 2022-01-30. Review status: criteria provided, single submitter. Criteria: Ambry Variant Classification Scheme 2023. Collection method: clinical testing. Allele origin: germline.
Comment: The p.F54L variant (also known as c.162T>G), located in coding exon 2 of the CAV3 gene, results from a T to G substitution at nucleotide position 162. The phenylalanine at codon 54 is replaced by leucine, an amino acid with highly similar properties. This amino acid position is conserved. In addition, the in silico prediction for this alteration is inconclusive. Since supporting evidence is limited at this time, the clinical significance of this alteration remains unclear.

NM_033337.3(CAV3):c.162T>G (p.Phe54Leu)

Genes: CAV3 (caveolin 3; plus strand), OXTR (oxytocin receptor; minus strand). Cytogenetic location: 3p25.3.
Variant type: single nucleotide variant.
Coding change: c.162T>G on transcript NM_033337.3 (MANE Select); coding-DNA position 162, T replaced by G.
Protein change: p.Phe54Leu; replaces phenylalanine 54 with leucine.
Molecular consequence: missense variant.
Genome position (GRCh38, 1-based): chr3:8,745,573, T>G. VCF-style: chr3-8745573-T-G. GRCh37 (hg19) VCF-style: chr3-8787259-T-G.
Other names: c.162T>G, p.Phe54Leu (NM_001234.5); short protein forms F54L.
Identifiers: ClinVar variation 1776809 (VCV001776809.3), dbSNP rs1708130193, ClinGen allele CA351663204.